The following is an entry in ClinVar:

ClinVar aggregate classification (germline): Likely benign (1 of 4 stars; one submission).

Allele frequency attached by ClinVar (database versions not stated): TOPMed 0.00015; gnomAD 0.00042; gnomAD exomes 0.00049; ExAC 0.00102; 1000 Genomes Project 30x 0.00203; 1000 Genomes Project 0.00240.
gnomAD v4.1: 788 of 1,613,542 alleles (0.049%); highest among the groups gnomAD compares: South Asian, 0.61%; 8 homozygotes.

Submission:

CeGaT Center for Human Genetics Tuebingen
Classification: Likely benign. Last evaluated: 2023-02-01. Review status: criteria provided, single submitter. Criteria: CeGaT Center For Human Genetics Tuebingen Variant Classification Criteria Version 2. Collection method: clinical testing. Allele origin: germline. Affected: yes. Observed: 1 variant allele.
Comment: SUGP1: BP4, BP7, BS2

NM_172231.4(SUGP1):c.495C>T (p.Asp165=)

Gene: SUGP1 (SURP and G-patch domain containing 1; minus strand). Cytogenetic location: 19p13.11.
Variant type: single nucleotide variant.
Coding change: c.495C>T on transcript NM_172231.4 (MANE Select); coding-DNA position 495, C replaced by T.
Protein change: p.Asp165=; no amino-acid change (aspartic acid 165 retained).
Molecular consequence: synonymous variant.
Genome position (GRCh38, 1-based): chr19:19,305,892, G>A on the plus strand (C>T on the coding strand, the complement: SUGP1 is on the minus strand). VCF-style: chr19-19305892-G-A. GRCh37 (hg19) VCF-style: chr19-19416701-G-A.
Identifiers: ClinVar variation 2649606 (VCV002649606.24), dbSNP rs201270493, ClinGen allele CA9325576.
Genomic context (GRCh38, chr19:19,305,892, plus strand): 5'-CAGCTCCCACAACTTACCTTTGATCTCCAGCCACTGCTCATAGTCCTCCTCCTCGTCCTC[G>A]TCAGGGGACTGGAAGACACTCGGGCGGTGCGCCACGGGCAGCTGCTTGGCGTGGGAGTAG-3'
Protein context (NP_757386.2, residues 155-175): AHRPSVFQSP[Asp165=]EDEEEDYEQW